The following is an entry in ClinVar:

ClinVar aggregate classification (germline): Uncertain significance. Review status: criteria provided, multiple submitters, no conflicts (2 of 4 stars). 2 submissions from 2 submitters: Uncertain significance (2). Last evaluated 2025-04-03.

Conditions:
Inborn genetic diseases. Identifiers: MedGen C0950123, MeSH D030342.

Submissions (2):

Ambry Genetics
Classification: Uncertain significance for Inborn genetic diseases. Last evaluated: 2025-04-03. Review status: criteria provided, single submitter. Criteria: Ambry Variant Classification Scheme 2023. Collection method: clinical testing. Allele origin: germline.

GeneDx
Classification: Uncertain significance. Last evaluated: 2023-10-26. Review status: criteria provided, single submitter. Criteria: GeneDx Variant Classification Process June 2021. Collection method: clinical testing. Allele origin: germline. Affected: yes.
Comment: Not observed at significant frequency in large population cohorts (gnomAD); In silico analysis supports that this missense variant has a deleterious effect on protein structure/function; Has not been previously published as pathogenic or benign to our knowledge

NM_014014.5(SNRNP200):c.2762G>A (p.Gly921Asp)

Gene: SNRNP200 (small nuclear ribonucleoprotein U5 subunit 200; minus strand). Cytogenetic location: 2q11.2.
Variant type: single nucleotide variant.
Coding change: c.2762G>A on transcript NM_014014.5 (MANE Select); coding-DNA position 2762, G replaced by A.
Protein change: p.Gly921Asp; replaces glycine 921 with aspartic acid.
Molecular consequence: missense variant.
Genome position (GRCh38, 1-based): chr2:96,289,977, C>T on the plus strand (G>A on the coding strand, the complement: SNRNP200 is on the minus strand). VCF-style: chr2-96289977-C-T. GRCh37 (hg19) VCF-style: chr2-96955715-C-T.
Other names: short protein forms G921D.
Identifiers: ClinVar variation 3366022 (VCV003366022.2).